The following is an entry in ClinVar:

ClinVar aggregate classification (germline): Likely benign. Review status: criteria provided, multiple submitters, no conflicts (2 of 4 stars). 2 submissions from 2 submitters: Likely benign (2). Last evaluated 2026-08-01.

Allele frequency attached by ClinVar (database versions not stated): gnomAD exomes below 0.00001; gnomAD 0.00001; ExAC 0.00005; 1000 Genomes Project 30x 0.00016; 1000 Genomes Project 0.00020.
gnomAD v4.1: 2 of 1,554,996 alleles (0.00013%); highest among the groups gnomAD compares: Admixed American, 0.0039%; no homozygotes.

Submissions (2):

CeGaT Center for Human Genetics Tuebingen
Classification: Likely benign. Last evaluated: 2026-08-01. Review status: criteria provided, single submitter. Criteria: CeGaT Center For Human Genetics Tuebingen Variant Classification Criteria Version 2. Collection method: clinical testing. Allele origin: germline. Affected: yes. Observed: 1 variant allele.
Comment: UBA5: BP4, BP7

Labcorp Genetics (formerly Invitae), Labcorp
Classification: Likely benign. Last evaluated: 2025-02-12. Review status: criteria provided, single submitter. Criteria: Invitae Variant Classification Sherloc (09022015). Collection method: clinical testing. Allele origin: germline.

NM_024818.6(UBA5):c.63G>A (p.Gln21=)

Genes: NPHP3-ACAD11 (NPHP3-ACAD11 readthrough (NMD candidate); minus strand), UBA5 (ubiquitin like modifier activating enzyme 5; plus strand). Cytogenetic location: 3q22.1.
Variant type: single nucleotide variant.
Coding change: c.63G>A on transcript NM_024818.6 (MANE Select); coding-DNA position 63, G replaced by A.
Protein change: p.Gln21=; no amino-acid change (glutamine 21 retained).
Molecular consequence: synonymous variant. On other transcripts: 5 prime UTR variant (3), intron variant (1).
Genome position (GRCh38, 1-based): chr3:132,660,600, G>A. VCF-style: chr3-132660600-G-A. GRCh37 (hg19) VCF-style: chr3-132379444-G-A.
Other names: c.-456G>A (NM_001320210.2); c.-422G>A (NM_001321238.2); c.-138G>A (NM_001321239.1); c.-7-5223G>A (NM_198329.4).
Identifiers: ClinVar variation 1643824 (VCV001643824.9), dbSNP rs574410589, ClinGen allele CA2621249.